The following is an entry in ClinVar:

NM_017763.6(RNF43):c.2303A>C (p.Gln768Pro)

Gene: RNF43 (ring finger protein 43; minus strand). Cytogenetic location: 17q22.
Variant type: single nucleotide variant.
Coding change: c.2303A>C on transcript NM_017763.6 (MANE Select); coding-DNA position 2303, A replaced by C.
Protein change: p.Gln768Pro; replaces glutamine 768 with proline.
Molecular consequence: missense variant.
Genome position (GRCh38, 1-based): chr17:58,357,473, T>G on the plus strand (A>C on the coding strand, the complement: RNF43 is on the minus strand). VCF-style: chr17-58357473-T-G. GRCh37 (hg19) VCF-style: chr17-56434834-T-G.
Other names: c.2303A>C, p.Gln768Pro (NM_001305544.3); c.1922A>C, p.Gln641Pro (NM_001305545.2); short protein forms Q641P, Q768P.
Identifiers: ClinVar variation 3789961 (VCV003789961.1).

ClinVar aggregate classification (germline): Uncertain significance (1 of 4 stars; one submission).

gnomAD v4.1: 3 of 1,614,228 alleles (0.00019%); highest among the groups gnomAD compares: Admixed American, 0.005%; no homozygotes.

Submission:

Ambry Genetics
Classification: Uncertain significance. Last evaluated: 2025-03-02. Review status: criteria provided, single submitter. Criteria: Ambry Variant Classification Scheme 2023. Collection method: clinical testing. Allele origin: germline.
Comment: The p.Q768P variant (also known as c.2303A>C), located in coding exon 8 of the RNF43 gene, results from an A to C substitution at nucleotide position 2303. The glutamine at codon 768 is replaced by proline, an amino acid with similar properties. This amino acid position is conserved. In addition, this alteration is predicted to be tolerated by in silico analysis. Based on the available evidence, the clinical significance of this variant remains unclear.